The following is an entry in ClinVar:

ClinVar aggregate classification (germline): Uncertain significance (1 of 4 stars; one submission).

Conditions:
Hereditary cancer-predisposing syndrome. Also called: Hereditary Cancer Syndrome; Hereditary neoplastic syndrome; Neoplastic Syndromes, Hereditary; Tumor predisposition. Identifiers: Orphanet 140162, MedGen C0027672, MeSH D009386, MONDO:0015356.

Submission:

Sema4
Classification: Uncertain significance for Hereditary cancer-predisposing syndrome. Last evaluated: 2021-09-09. Review status: criteria provided, single submitter. Criteria: Sema4 Curation Guidelines. Collection method: curation. Allele origin: germline.
Comment: The MET c.3376G>A (p.A1126T) variant has not been reported in the literature to our knowledge. It was not observed in the Genome Aggregation Database, nor has it been reported in ClinVar. In silico tools suggest the impact of the variant on protein function is deleterious, though these predictions have not been confirmed by functional studies. The evidence is insufficient to meet ACMG/AMP criteria for classifying the variant as benign or pathogenic. Thus, the clinical significance of this variant is currently uncertain.

NM_000245.4(MET):c.3322G>A (p.Ala1108Thr)

Gene: MET (MET proto-oncogene, receptor tyrosine kinase; plus strand). Cytogenetic location: 7q31.2.
Variant type: single nucleotide variant.
Coding change: c.3322G>A on transcript NM_000245.4 (MANE Select); coding-DNA position 3322, G replaced by A.
Protein change: p.Ala1108Thr; replaces alanine 1108 with threonine.
Molecular consequence: missense variant.
Genome position (GRCh38, 1-based): chr7:116,777,451, G>A. VCF-style: chr7-116777451-G-A. GRCh37 (hg19) VCF-style: chr7-116417505-G-A.
Other names: c.3376G>A, p.Ala1126Thr (NM_001127500.3); c.2032G>A, p.Ala678Thr (NM_001324402.2); short protein forms A1108T, A1126T, A678T.
Identifiers: ClinVar variation 1692566 (VCV001692566.1), dbSNP rs2117040300, ClinGen allele CA368989822.